The following is an entry in ClinVar:

ClinVar aggregate classification (germline): Uncertain significance (1 of 4 stars; one submission).

Conditions:
Hereditary cancer-predisposing syndrome. Also called: Tumor predisposition; Hereditary Cancer Syndrome; Hereditary neoplastic syndrome; Neoplastic Syndromes, Hereditary. Identifiers: Orphanet 140162, MedGen C0027672, MeSH D009386, MONDO:0015356.

Submission:

Ambry Genetics
Classification: Uncertain significance for Hereditary cancer-predisposing syndrome. Last evaluated: 2024-04-05. Review status: criteria provided, single submitter. Criteria: Ambry Variant Classification Scheme 2023. Collection method: clinical testing. Allele origin: germline.
Comment: The p.T458S variant (also known as c.1373C>G), located in coding exon 4 of the PALB2 gene, results from a C to G substitution at nucleotide position 1373. The threonine at codon 458 is replaced by serine, an amino acid with similar properties. This amino acid position is conserved. In addition, this alteration is predicted to be tolerated by in silico analysis. Based on the available evidence, the clinical significance of this variant remains unclear.

NM_024675.4(PALB2):c.1373C>G (p.Thr458Ser)

Gene: PALB2 (partner and localizer of BRCA2; minus strand). Cytogenetic location: 16p12.2.
Variant type: single nucleotide variant.
Coding change: c.1373C>G on transcript NM_024675.4 (MANE Select); coding-DNA position 1373, C replaced by G.
Protein change: p.Thr458Ser; replaces threonine 458 with serine.
Molecular consequence: missense variant. On other transcripts: intron variant (3).
Genome position (GRCh38, 1-based): chr16:23,635,173, G>C on the plus strand (C>G on the coding strand, the complement: PALB2 is on the minus strand). VCF-style: chr16-23635173-G-C. GRCh37 (hg19) VCF-style: chr16-23646494-G-C.
Other names: c.1313C>G, p.Thr438Ser (NM_001407296.1); c.1373C>G, p.Thr458Ser (NM_001407297.1, NM_001407298.1, NM_001407299.1 and 3 more transcripts); c.488C>G, p.Thr163Ser (NM_001407304.1, NM_001407305.1, NM_001407306.1 and 5 more transcripts); c.49-5898C>G (NM_001407314.1); c.-104-4704C>G (NM_001407313.1, NM_001407312.1); short protein forms T163S, T438S, T458S.
Identifiers: ClinVar variation 3303993 (VCV003303993.1).